The following is an entry in ClinVar:

ClinVar aggregate classification (germline): Uncertain significance (1 of 4 stars; one submission).

Conditions:
Hereditary cancer-predisposing syndrome. Also called: Tumor predisposition; Hereditary neoplastic syndrome; Neoplastic Syndromes, Hereditary; Hereditary Cancer Syndrome. Identifiers: Orphanet 140162, MedGen C0027672, MeSH D009386, MONDO:0015356.

Submission:

Ambry Genetics
Classification: Uncertain significance for Hereditary cancer-predisposing syndrome. Last evaluated: 2025-03-25. Review status: criteria provided, single submitter. Criteria: Ambry Variant Classification Scheme 2023. Collection method: clinical testing. Allele origin: germline.
Comment: The p.D640G variant (also known as c.1919A>G), located in coding exon 13 of the CTNNA1 gene, results from an A to G substitution at nucleotide position 1919. The aspartic acid at codon 640 is replaced by glycine, an amino acid with similar properties. This amino acid position is conserved. In addition, the in silico prediction for this alteration is inconclusive. Based on the available evidence, the clinical significance of this variant remains unclear.

NM_001903.5(CTNNA1):c.1919A>G (p.Asp640Gly)

Gene: CTNNA1 (catenin alpha 1; plus strand). Cytogenetic location: 5q31.2.
Variant type: single nucleotide variant.
Coding change: c.1919A>G on transcript NM_001903.5 (MANE Select); coding-DNA position 1919, A replaced by G.
Protein change: p.Asp640Gly; replaces aspartic acid 640 with glycine.
Molecular consequence: missense variant.
Genome position (GRCh38, 1-based): chr5:138,929,265, A>G. VCF-style: chr5-138929265-A-G. GRCh37 (hg19) VCF-style: chr5-138264954-A-G.
Other names: c.1919A>G, p.Asp640Gly (NM_001290307.3, NM_001323982.2, NM_001323983.1 and 2 more transcripts); c.1610A>G, p.Asp537Gly (NM_001290309.3); c.1550A>G, p.Asp517Gly (NM_001290310.3); c.809A>G, p.Asp270Gly (NM_001290312.1, NM_001323987.1, NM_001323988.1 and 17 more transcripts); c.1826A>G, p.Asp609Gly (NM_001323986.2); c.566A>G, p.Asp189Gly (NM_001324013.1, NM_001324012.1); c.470A>G, p.Asp157Gly (NM_001324006.1, NM_001324007.1, NM_001324008.1 and 2 more transcripts); c.716A>G, p.Asp239Gly (NM_001324011.1); short protein forms D640G, D239G, D270G, D517G, D537G, D189G, D609G, D157G.
Identifiers: ClinVar variation 4007963 (VCV004007963.1).